The following is an entry in ClinVar:

ClinVar aggregate classification (germline): Conflicting classifications of pathogenicity. Review status: criteria provided, conflicting classifications (1 of 4 stars). 9 submissions from 9 submitters: Uncertain significance (6); Likely benign (2). 1 of the submissions does not count toward it. Last evaluated 2025-12-14.

Conditions:
BRCA1-related cancer predisposition. Identifiers: MedGen CN377757, MONDO:0700268.
Breast-ovarian cancer, familial, susceptibility to, 1 (BROVCA1). Also called: BRCA1 Hereditary Breast and Ovarian Cancer; OVARIAN CANCER, SUSCEPTIBILITY TO. Identifiers: Orphanet 145, MedGen C2676676, MONDO:0011450, OMIM 604370. Disease mechanism: loss of function.
Pancreatic cancer, susceptibility to, 4. Identifiers: Orphanet 1333, MedGen C3280442, MONDO:0013685, OMIM 614320.
Fanconi anemia, complementation group S (FANCS). Identifiers: MedGen C4554406, MONDO:0054748, OMIM 617883.
Hereditary cancer-predisposing syndrome. Also called: Tumor predisposition; Hereditary neoplastic syndrome; Hereditary Cancer Syndrome; Neoplastic Syndromes, Hereditary. Identifiers: Orphanet 140162, MedGen C0027672, MeSH D009386, MONDO:0015356.
Hereditary breast ovarian cancer syndrome. Also called: Hereditary breast and/or ovarian cancer syndrome; Breast and ovarian cancer; Hereditary breast and ovarian cancer syndrome; Hereditary breast and ovarian cancer; Hereditary breast and ovarian cancer syndrome (HBOC); BRCA1- and BRCA2-Associated Hereditary Breast and Ovarian Cancer. Identifiers: Orphanet 145, MedGen C0677776, MeSH D061325, MONDO:0003582. Disease mechanism: loss of function.

Allele frequency attached by ClinVar (database versions not stated): gnomAD 0.00001; TOPMed 0.00001.
gnomAD v4.1: 1 of 1,613,830 alleles (0.000062%); highest among the groups gnomAD compares: African/African-American, 0.0013%; no homozygotes.

Submissions (9):

Labcorp Genetics (formerly Invitae), Labcorp
Classification: Uncertain significance for Hereditary breast ovarian cancer syndrome. Last evaluated: 2025-12-14. Review status: criteria provided, single submitter. Criteria: Invitae Variant Classification Sherloc (09022015). Collection method: clinical testing. Allele origin: germline.
Comment: This sequence change replaces serine, which is neutral and polar, with cysteine, which is neutral and slightly polar, at codon 886 of the BRCA1 protein (p.Ser886Cys). This variant is not present in population databases (gnomAD no frequency). This variant has not been reported in the literature in individuals affected with BRCA1-related conditions. ClinVar contains an entry for this variant (Variation ID: 141950). Invitae Evidence Modeling of protein sequence and biophysical properties (such as structural, functional, and spatial information, amino acid conservation, physicochemical variation, residue mobility, and thermodynamic stability) indicates that this missense variant is not expected to disrupt BRCA1 protein function with a negative predictive value of 80%. In summary, the available evidence is currently insufficient to determine the role of this variant in disease. Therefore, it has been classified as a Variant of Uncertain Significance.

Women's Health and Genetics/Laboratory Corporation of America, LabCorp
Classification: Uncertain significance. Last evaluated: 2024-07-11. Review status: criteria provided, single submitter. Criteria: LabCorp Variant Classification Summary - May 2015. Collection method: clinical testing. Allele origin: germline.
Comment: Variant summary: BRCA1 c.2657C>G (p.Ser886Cys) results in a non-conservative amino acid change in the encoded protein sequence. Four of five in-silico tools predict a benign effect of the variant on protein function. The variant was absent in 251088 control chromosomes. The available data on variant occurrences in the general population are insufficient to allow any conclusion about variant significance. To our knowledge, no occurrence of c.2657C>G in individuals affected with Hereditary Breast And Ovarian Cancer Syndrome and no experimental evidence demonstrating its impact on protein function have been reported. ClinVar contains an entry for this variant (Variation ID: 141950). Based on the evidence outlined above, the variant was classified as uncertain significance.

Fulgent Genetics
Classification: Uncertain significance for Breast-ovarian cancer, familial, susceptibility to, 1; Pancreatic cancer, susceptibility to, 4; Fanconi anemia, complementation group S. Last evaluated: 2024-05-08. Review status: criteria provided, single submitter. Criteria: ACMG Guidelines, 2015. Collection method: clinical testing. Allele origin: germline.

All of Us Research Program, National Institutes of Health
Classification: Uncertain significance for BRCA1-related cancer predisposition. Last evaluated: 2024-02-22. Review status: criteria provided, single submitter. Criteria: ACMG Guidelines, 2015. Collection method: clinical testing. Allele origin: germline. Inheritance: Autosomal dominant inheritance. Observed: 1 variant allele, 1 heterozygote.
Comment: This missense variant replaces serine with cysteine at codon 886 of the BRCA1 protein. Computational prediction suggests that this variant may not impact protein structure and function. To our knowledge, functional studies have not been reported for this variant. This variant has not been reported in individuals affected with BRCA1-related disorders in the literature. This variant has not been identified in the general population by the Genome Aggregation Database (gnomAD). The available evidence is insufficient to determine the role of this variant in disease conclusively. Therefore, this variant is classified as a Variant of Uncertain Significance.

This study involves interpretation of variants in research participants for the purpose of population health screening. Participant phenotype was not available at the time of variant classification. Additional details can be found in publication PMID: 35346344, PMCID: PMC8962531

Quest Diagnostics Nichols Institute San Juan Capistrano
Classification: Uncertain significance. Last evaluated: 2024-02-19. Review status: criteria provided, single submitter. Criteria: Quest Diagnostics criteria. Collection method: clinical testing. Allele origin: unknown.
Comment: The BRCA1 c.2657C>G (p.Ser886Cys) variant has been reported in the published literature to be located in a region of the BRCA1 gene that is tolerant to missense sequence changes (PMID: 31911673 (2020)). To the best of our knowledge, this variant has not been reported in individuals with BRCA1-related disorders. The frequency of this variant in the general population, 0.0000066 (1/152190 chromosomes (Genome Aggregation Database)), is uninformative in the assessment of its pathogenicity. Analysis of this variant using bioinformatics tools for the prediction of the effect of amino acid changes on protein structure and function yielded predictions that this variant is benign. Based on the available information, we are unable to determine the clinical significance of this variant.

GeneDx
Classification: Uncertain significance. Last evaluated: 2023-11-16. Review status: criteria provided, single submitter. Criteria: GeneDx Variant Classification Process June 2021. Collection method: clinical testing. Allele origin: germline. Affected: yes.
Comment: Not observed at significant frequency in large population cohorts (gnomAD); In silico analysis supports that this missense variant does not alter protein structure/function; Has not been previously published as pathogenic or benign to our knowledge; Also known as 2776C>G; This variant is associated with the following publications: (PMID: 15343273, 29884841)

University of Washington Department of Laboratory Medicine, University of Washington
Classification: Likely benign for Hereditary cancer-predisposing syndrome. Last evaluated: 2023-03-23. Review status: criteria provided, single submitter. Criteria: Dines et al. (Genet Med. 2020). Collection method: curation. Allele origin: germline.
Comment: Missense variant in a coldspot region where missense variants are very unlikely to be pathogenic (PMID:31911673).

BRCA1 coldspot (exon 11 using historical exon numbering). Reclassification based on statistical prior probability

Ambry Genetics
Classification: Likely benign for Hereditary cancer-predisposing syndrome. Last evaluated: 2016-12-28. Review status: criteria provided, single submitter. Criteria: Ambry Variant Classification Scheme 2023. Collection method: clinical testing. Allele origin: germline.

Department of Pathology and Laboratory Medicine, Sinai Health System
Classification: Uncertain significance. Review status: no assertion criteria provided. Collection method: clinical testing. Allele origin: unknown. Affected: yes. Study: The Canadian Open Genetics Repository (COGR). Not counted in ClinVar's aggregate classification.
Comment: The p.Ser886Cys variant was not identified in the literature. The variant was identified in UMD (1X as an unclassified variant), but was not identified in any of the other databases searched, including dbSNP, NHLBI Exome Sequencing Project (Exome Variant Server), HGMD, LOVD, COSMIC, and BIC. The p.Ser886 residue is not conserved in mammals and the variant amino acid cysteine (Cys) is present in dog, increasing the likelihood that this variant does not have clinical significance. Computational analyses (PolyPhen-2, SIFT, AlignGVGD, MutationTaster) do not suggest a high likelihood of impact to the protein; however, this information is not predictive enough to rule out pathogenicity. In summary, based on the above information, the clinical significance of this variant cannot be determined with certainty at this time. This variant is classified as a variant of unknown significance.

Literature cited by the submitters: PubMed 31911673 (cited by Quest Diagnostics Nichols Institute San Juan Capistrano).

NM_007294.4(BRCA1):c.2657C>G (p.Ser886Cys)

Gene: BRCA1 (BRCA1 DNA repair associated; minus strand). Cytogenetic location: 17q21.31.
Variant type: single nucleotide variant.
Coding change: c.2657C>G on transcript NM_007294.4 (MANE Select); coding-DNA position 2657, C replaced by G.
Protein change: p.Ser886Cys; replaces serine 886 with cysteine.
Molecular consequence: missense variant. On other transcripts: intron variant (137).
Genome position (GRCh38, 1-based): chr17:43,092,874, G>C on the plus strand (C>G on the coding strand, the complement: BRCA1 is on the minus strand). VCF-style: chr17-43092874-G-C. GRCh37 (hg19) VCF-style: chr17-41244891-G-C.
Other names: c.2444C>G, p.Ser815Cys (NM_001407571.1, NM_001407853.1, NM_001407894.1 and 9 more transcripts); c.2657C>G, p.Ser886Cys (NM_001407581.1, NM_001407582.1, NM_001407583.1 and 30 more transcripts); c.2654C>G, p.Ser885Cys (NM_001407587.1, NM_001407590.1, NM_001407591.1 and 22 more transcripts); c.2648C>G, p.Ser883Cys (NM_001407646.1, NM_001407647.1); c.2576C>G, p.Ser859Cys (NM_001407660.1, NM_001407661.1, NM_001407662.1 and 1 more transcripts); c.2579C>G, p.Ser860Cys (NM_001407663.1, NM_001407653.1, NM_001407654.1 and 4 more transcripts); c.2534C>G, p.Ser845Cys (NM_001407664.1, NM_001407665.1, NM_001407666.1 and 19 more transcripts); c.2531C>G, p.Ser844Cys (NM_001407685.1, NM_001407686.1, NM_001407687.1 and 11 more transcripts); and 41 more; short protein forms S886C, S839C, S758C, S759C, S815C, S860C, S883C, S819C.
Identifiers: ClinVar variation 141950 (VCV000141950.27), dbSNP rs587782134, ClinGen allele CA001739.